The following is an entry in ClinVar:

ClinVar aggregate classification (germline): Likely benign (0 of 4 stars; one submission).

Conditions:
COL25A1-related disorder. Also called: COL25A1-related condition.

Allele frequency attached by ClinVar (database versions not stated): ExAC 0.00001; gnomAD exomes 0.00001; TOPMed 0.00001.
gnomAD v4.1: 6 of 1,611,558 alleles (0.00037%); highest among the groups gnomAD compares: Non-Finnish European, 0.00051%; no homozygotes.

Submission:

PreventionGenetics, part of Exact Sciences
Classification: Likely benign for COL25A1-related condition. Last evaluated: 2020-12-03. Review status: no assertion criteria provided. Collection method: clinical testing. Allele origin: germline.
Comment: This variant is classified as likely benign based on ACMG/AMP sequence variant interpretation guidelines (Richards et al. 2015 PMID: 25741868, with internal and published modifications).

NM_198721.4(COL25A1):c.609A>G (p.Pro203=)

Gene: COL25A1 (collagen type XXV alpha 1 chain; minus strand). Cytogenetic location: 4q25.
Variant type: single nucleotide variant.
Coding change: c.609A>G on transcript NM_198721.4 (MANE Select); coding-DNA position 609, A replaced by G.
Protein change: p.Pro203=; no amino-acid change (proline 203 retained).
Molecular consequence: synonymous variant.
Genome position (GRCh38, 1-based): chr4:108,940,602, T>C on the plus strand (A>G on the coding strand, the complement: COL25A1 is on the minus strand). VCF-style: chr4-108940602-T-C. GRCh37 (hg19) VCF-style: chr4-109861758-T-C.
Other names: c.597A>G, p.Pro199= (NM_001256074.3); c.609A>G, p.Pro203= (NM_032518.4).
Identifiers: ClinVar variation 3054689 (VCV003054689.2), dbSNP rs756928692, ClinGen allele CA3039710.
Genomic context (GRCh38, chr4:108,940,602, plus strand): 5'-TACTCCTGGCATTCCACGGGGGCCATCTTTCCCTGTGTCCCCAGGTGGCCCTCTTGGGCC[T>C]GGAGGGCCAGGGGGTCCTGGAGGCCCTGCCTGTCCTTGGTCACCCTGTGATGGAGAAGGG-3'
Protein context (NP_942014.1, residues 193-213): QAGPPGPPGP[Pro203=]GPRGPPGDTG